The following is an entry in ClinVar:

ClinVar aggregate classification (germline): Pathogenic (1 of 4 stars; one submission).

Allele frequency attached by ClinVar (database versions not stated): gnomAD exomes below 0.00001.
gnomAD v4.1: 1 of 1,613,908 alleles (0.000062%); highest among the groups gnomAD compares: Non-Finnish European, 0.000085%; no homozygotes.

Submission:

Labcorp Genetics (formerly Invitae), Labcorp
Classification: Pathogenic. Last evaluated: 2023-03-03. Review status: criteria provided, single submitter. Criteria: Invitae Variant Classification Sherloc (09022015). Collection method: clinical testing. Allele origin: germline.
Comment: For these reasons, this variant has been classified as Pathogenic. This variant disrupts a region of the LAMA3 protein in which other variant(s) (p.Ser1689*) have been determined to be pathogenic (PMID: 29797489). This suggests that this is a clinically significant region of the protein, and that variants that disrupt it are likely to be disease-causing. Variants that disrupt the consensus splice site are a relatively common cause of aberrant splicing (PMID: 17576681, 9536098). Algorithms developed to predict the effect of sequence changes on RNA splicing suggest that this variant may disrupt the consensus splice site. This variant has not been reported in the literature in individuals affected with LAMA3-related conditions. This variant is not present in population databases (gnomAD no frequency). This sequence change affects a donor splice site in intron 37 of the LAMA3 gene. While this variant is not anticipated to result in nonsense mediated decay, it likely alters RNA splicing and results in a disrupted protein product.

Literature cited by the submitters: PubMed 29797489; PubMed 17576681; PubMed 9536098.

NM_198129.4(LAMA3):c.9856+1G>T

Gene: LAMA3 (laminin subunit alpha 3; plus strand). Cytogenetic location: 18q11.2.
Variant type: single nucleotide variant.
Coding change: c.9856+1G>T on transcript NM_198129.4 (MANE Select); the canonical splice donor site of the intron after coding-DNA position 9856, G replaced by T.
Molecular consequence: splice donor variant.
Genome position (GRCh38, 1-based): chr18:23,953,110, G>T. VCF-style: chr18-23953110-G-T. GRCh37 (hg19) VCF-style: chr18-21533074-G-T.
Other names: c.9688+1G>T (NM_001127717.4); c.5029+1G>T (NM_000227.6); c.4861+1G>T (NM_001127718.4).
Identifiers: ClinVar variation 2842431 (VCV002842431.3), dbSNP rs2511702559, ClinGen allele CA402053874.